The following is an entry in ClinVar:

ClinVar aggregate classification (germline): Benign (1 of 4 stars; one submission).

Allele frequency attached by ClinVar (database versions not stated): 1000 Genomes Project 0.27396; 1000 Genomes Project 30x 0.27983; gnomAD 0.34583; gnomAD exomes 0.34863; TOPMed 0.34942.

Submission:

Unidad de Genómica Garrahan, Hospital de Pediatría Garrahan
Classification: Benign. Last evaluated: 2024-01-24. Review status: criteria provided, single submitter. Criteria: ACMG Guidelines, 2015. Collection method: clinical testing. Allele origin: germline. Affected: no. Observed: 35 variant alleles.
Comment: This variant is classified as Benign based on local population frequency. This variant was detected in 40% of patients studied by a panel of primary immunodeficiencies. Number of patients: 35. Only high quality variants are reported.

NC_000002.12:g.223837588G>C

Gene: LOC129935691 (ATAC-STARR-seq lymphoblastoid silent region 12376; plus strand). Cytogenetic location: 2q36.1.
Variant type: single nucleotide variant.
Genome position: GRCh38 VCF-style: chr2-223837588-G-C. GRCh37 (hg19) VCF-style: chr2-224702305-G-C.
Identifiers: ClinVar variation 2688440 (VCV002688440.2), dbSNP rs3738961, ClinGen allele CA16128421.
Genomic context (GRCh38, chr2:223,837,588, plus strand): 5'-CCGGTGCGGCTGACAGGTGAGGCGCCCGGCTTAGACCATGGCTGCTTCCCACAATGCCCT[G>C]GCACTGAAAGTGTGCAGACTCCTCCCAGCGCGGCTGCCTCCTCCCTGCACGCTCCTCCCC-3'